The following is an entry in ClinVar:

ClinVar aggregate classification (germline): Uncertain significance (1 of 4 stars; one submission).

Conditions:
Ehlers-Danlos syndrome, classic type, 1 (EDSCL1). Also called: EHLERS-DANLOS SYNDROME, GRAVIS TYPE; EHLERS-DANLOS SYNDROME, SEVERE CLASSIC TYPE; Ehlers-Danlos syndrome, type 1; Ehlers-Danlos Syndrome, Classic Type, COL5A1-Related; EDS I. Identifiers: MedGen C0268335, MONDO:0019567, OMIM 130000.
Osteogenesis imperfecta type I (OI1). Also called: OI, TYPE I; OSTEOGENESIS IMPERFECTA TARDA; OSTEOGENESIS IMPERFECTA WITH BLUE SCLERAE; Osteogenesis imperfecta type 1; Lobstein's Disease; Lobstein disease. Identifiers: Orphanet 216796, Orphanet 666, MedGen C0023931, MONDO:0008146, OMIM 166200. Disease mechanism: loss of function.

gnomAD v4.1: 3 of 1,613,594 alleles (0.00019%); highest among the groups gnomAD compares: African/African-American, 0.004%; no homozygotes.

Submission:

Labcorp Genetics (formerly Invitae), Labcorp
Classification: Uncertain significance for Osteogenesis imperfecta type I; Ehlers-Danlos syndrome, classic type, 1. Last evaluated: 2025-09-23. Review status: criteria provided, single submitter. Criteria: Invitae Variant Classification Sherloc (09022015). Collection method: clinical testing. Allele origin: germline.
Comment: This sequence change falls in intron 32 of the COL1A2 gene. It does not directly change the encoded amino acid sequence of the COL1A2 protein. This variant is not present in population databases (gnomAD no frequency). This variant has not been reported in the literature in individuals affected with COL1A2-related conditions. Algorithms developed to predict the effect of sequence changes on RNA splicing suggest that this variant may disrupt the consensus splice site. In summary, the available evidence is currently insufficient to determine the role of this variant in disease. Therefore, it has been classified as a Variant of Uncertain Significance.

NM_000089.4(COL1A2):c.1972-6T>G

Gene: COL1A2 (collagen type I alpha 2 chain; plus strand). Cytogenetic location: 7q21.3.
Variant type: single nucleotide variant.
Coding change: c.1972-6T>G on transcript NM_000089.4 (MANE Select); 6 bases into the intron before coding-DNA position 1972, T replaced by G.
Molecular consequence: intron variant.
Genome position (GRCh38, 1-based): chr7:94,418,493, T>G. VCF-style: chr7-94418493-T-G. GRCh37 (hg19) VCF-style: chr7-94047805-T-G.
Identifiers: ClinVar variation 4788172 (VCV004788172.1).